The following is an entry in ClinVar:

NM_006929.5(SKIC2):c.1670T>C (p.Leu557Pro)

Gene: SKIC2 (SKI2 subunit of superkiller complex; plus strand). Cytogenetic location: 6p21.33.
Variant type: single nucleotide variant.
Coding change: c.1670T>C on transcript NM_006929.5 (MANE Select); coding-DNA position 1670, T replaced by C.
Protein change: p.Leu557Pro; replaces leucine 557 with proline.
Molecular consequence: missense variant.
Genome position (GRCh38, 1-based): chr6:31,963,935, T>C. VCF-style: chr6-31963935-T-C. GRCh37 (hg19) VCF-style: chr6-31931712-T-C.
Other names: c.1670T>C (NM_006929.4); short protein forms L557P.
Identifiers: ClinVar variation 2110941 (VCV002110941.5), dbSNP rs1447449827, ClinGen allele CA363460536.
Genomic context (GRCh38, chr6:31,963,935, plus strand): 5'-TCAACCTCTGCTCCTTCCCCTTCCCCTTCCTTCTCCAGGACCGCGGAGTGTACCTGTCCC[T>C]CCTGGCCTCCCTCCGCACACGTGCCCAGTTGCCCGTGGTGGTGTTCACCTTCTCCCGGGG-3'
Protein context (NP_008860.4, residues 547-567): PAQDRGVYLS[Leu557Pro]LASLRTRAQL

ClinVar aggregate classification (germline): Uncertain significance. Review status: criteria provided, multiple submitters, no conflicts (2 of 4 stars). 2 submissions from 2 submitters: Uncertain significance (2). Last evaluated 2022-12-30.

Allele frequency attached by ClinVar (database versions not stated): gnomAD exomes below 0.00001.
gnomAD v4.1: 7 of 1,611,522 alleles (0.00043%); highest among the groups gnomAD compares: Non-Finnish European, 0.00051%; no homozygotes.

Submissions (2):

GeneDx
Classification: Uncertain significance. Last evaluated: 2022-12-30. Review status: criteria provided, single submitter. Criteria: GeneDx Variant Classification Process June 2021. Collection method: clinical testing. Allele origin: germline. Affected: yes.
Comment: Not observed at significant frequency in large population cohorts (gnomAD); In silico analysis supports that this missense variant has a deleterious effect on protein structure/function; Has not been previously published as pathogenic or benign to our knowledge

Labcorp Genetics (formerly Invitae), Labcorp
Classification: Uncertain significance. Last evaluated: 2022-04-29. Review status: criteria provided, single submitter. Criteria: Invitae Variant Classification Sherloc (09022015). Collection method: clinical testing. Allele origin: germline.
Comment: In summary, the available evidence is currently insufficient to determine the role of this variant in disease. Therefore, it has been classified as a Variant of Uncertain Significance. Algorithms developed to predict the effect of missense changes on protein structure and function are either unavailable or do not agree on the potential impact of this missense change (SIFT: "Deleterious"; PolyPhen-2: "Probably Damaging"; Align-GVGD: "Class C0"). This sequence change replaces leucine, which is neutral and non-polar, with proline, which is neutral and non-polar, at codon 557 of the SKIV2L protein (p.Leu557Pro). The frequency data for this variant in the population databases is considered unreliable, as metrics indicate poor data quality at this position in the gnomAD database. This variant has not been reported in the literature in individuals affected with SKIV2L-related conditions.